The following is an entry in ClinVar:

ClinVar aggregate classification (germline): Likely benign. Review status: criteria provided, single submitter (1 of 4 stars). 2 submissions from 2 submitters: Likely benign (1). 1 of the submissions does not count toward it. Last evaluated 2022-07-21.

Conditions:
SERPINA1-related disorder. Also called: SERPINA1-related condition; SerpinA1-related disorders.
Alpha-1-antitrypsin deficiency (A1ATD). Also called: Alpha1-Antitrypsin Deficiency; AAT deficiency; A1AT deficiency. Identifiers: Orphanet 60, MedGen C0221757, MONDO:0013282, OMIM 613490.

Submissions (2):

Labcorp Genetics (formerly Invitae), Labcorp
Classification: Likely benign for Alpha-1-antitrypsin deficiency. Last evaluated: 2022-07-21. Review status: criteria provided, single submitter. Criteria: Invitae Variant Classification Sherloc (09022015). Collection method: clinical testing. Allele origin: germline.

PreventionGenetics, part of Exact Sciences
Classification: Likely benign for SERPINA1-related condition. Last evaluated: 2023-10-24. Review status: no assertion criteria provided. Collection method: clinical testing. Allele origin: germline. Not counted in ClinVar's aggregate classification.
Comment: This variant is classified as likely benign based on ACMG/AMP sequence variant interpretation guidelines (Richards et al. 2015 PMID: 25741868, with internal and published modifications).

NM_000295.5(SERPINA1):c.54G>C (p.Leu18=)

Gene: SERPINA1 (serpin family A member 1; minus strand). Cytogenetic location: 14q32.13.
Variant type: single nucleotide variant.
Coding change: c.54G>C on transcript NM_000295.5 (MANE Select); coding-DNA position 54, G replaced by C.
Protein change: p.Leu18=; no amino-acid change (leucine 18 retained).
Molecular consequence: synonymous variant.
Genome position (GRCh38, 1-based): chr14:94,383,184, C>G on the plus strand (G>C on the coding strand, the complement: SERPINA1 is on the minus strand). VCF-style: chr14-94383184-C-G. GRCh37 (hg19) VCF-style: chr14-94849521-C-G.
Other names: c.54G>C (NM_000295.4); c.54G>C, p.Leu18= (NM_001002235.3, NM_001002236.3, NM_001127700.2 and 7 more transcripts).
Identifiers: ClinVar variation 1955598 (VCV001955598.7), dbSNP rs745679666, ClinGen allele CA7327561.